The following is an entry in ClinVar:

NC_000016.9:g.(?_2097985)_(2098755_2100400)del

Gene: TSC2 (TSC complex subunit 2; plus strand). Cytogenetic location: 16p13.3.
Variant type: Deletion.
Identifiers: ClinVar variation 4848117 (VCV004848117.1).

ClinVar aggregate classification (germline): Pathogenic (1 of 4 stars; one submission).

Conditions:
Tuberous sclerosis syndrome (TSC). Also called: Tuberous Sclerosis Complex; Tuberous sclerosis. Identifiers: Orphanet 805, MedGen C0041341, MONDO:0001734.

Submission:

Women's Health and Genetics/Laboratory Corporation of America, LabCorp
Classification: Pathogenic for Tuberous sclerosis syndrome. Last evaluated: 2026-02-02. Review status: criteria provided, single submitter. Criteria: LabCorp Variant Classification Summary - May 2015. Collection method: clinical testing. Allele origin: germline.
Comment: Variant summary: The variant involves the deletion of exons 1-2 in the TSC2 gene. The exact breakpoint at the 5' end of this variant is unknown, therefore this deletion may extend upstream of the annotated region of this gene. Although the exact breakpoints of this deletion are not known, it is predicted to remove the initiation codon and result in an absence of protein or a truncation of the encoded protein due to translation initiation at a downstream site. Loss-of-function variants in this gene are known to be pathogenic. A presumed nomenclature of c.(?_-111)_(138+1_139-1)del has been designated for the purposes of this classification (example: Byers_2018). The variant was absent in 21690 control chromosomes. c.(?_-111)_(138+1_139-1)del has been observed in individual(s) affected with Tuberous Sclerosis Complex. To our knowledge, no experimental evidence demonstrating an impact on protein function has been reported. The following publication have been ascertained in the context of this evaluation (PMID: 30260069). ClinVar contains an entry for this variant (Variation ID: 3243443). Based on the evidence outlined above, the variant was classified as pathogenic.

Literature cited by the submitters: PubMed 30260069.